The following is an entry in ClinVar:

NM_004360.5(CDH1):c.2249A>G (p.Asp750Gly)

Gene: CDH1 (cadherin 1; plus strand). Cytogenetic location: 16q22.1.
Variant type: single nucleotide variant.
Coding change: c.2249A>G on transcript NM_004360.5 (MANE Select); coding-DNA position 2249, A replaced by G.
Protein change: p.Asp750Gly; replaces aspartic acid 750 with glycine.
Molecular consequence: missense variant.
Genome position (GRCh38, 1-based): chr16:68,828,258, A>G. VCF-style: chr16-68828258-A-G. GRCh37 (hg19) VCF-style: chr16-68862161-A-G.
Other names: c.2249A>G (LRG_301t1); c.2066A>G, p.Asp689Gly (NM_001317184.2); c.701A>G, p.Asp234Gly (NM_001317185.2); c.284A>G, p.Asp95Gly (NM_001317186.2); short protein forms D750G, D95G, D234G, D689G.
Identifiers: ClinVar variation 231716 (VCV000231716.22), dbSNP rs759608783, ClinGen allele CA8130236.

ClinVar aggregate classification (germline): Conflicting classifications of pathogenicity. Review status: criteria provided, conflicting classifications (1 of 4 stars). 6 submissions from 6 submitters: Uncertain significance (5); Likely benign (1). Last evaluated 2025-11-11.

Conditions:
Hereditary cancer-predisposing syndrome. Also called: Hereditary Cancer Syndrome; Neoplastic Syndromes, Hereditary; Tumor predisposition; Hereditary neoplastic syndrome. Identifiers: Orphanet 140162, MedGen C0027672, MeSH D009386, MONDO:0015356.
Hereditary diffuse gastric adenocarcinoma (HDGC). Also called: DIFFUSE GASTRIC AND LOBULAR BREAST CANCER SYNDROME. Identifiers: Orphanet 26106, MedGen C1708349, MONDO:0007648, OMIM 137215.
Familial cancer of breast. Also called: Hereditary breast cancer; hereditary breast carcinoma; BREAST CANCER, FAMILIAL. Identifiers: Orphanet 227535, MedGen C0346153, MONDO:0016419, OMIM 114480. Disease mechanism: loss of function.

Allele frequency attached by ClinVar (database versions not stated): gnomAD exomes 0.00001 and 0.00004; ExAC 0.00005.
gnomAD v4.1: 21 of 1,614,104 alleles (0.0013%); highest among the groups gnomAD compares: South Asian, 0.021%; no homozygotes.

Submissions (6):

Labcorp Genetics (formerly Invitae), Labcorp
Classification: Uncertain significance for Hereditary diffuse gastric adenocarcinoma. Last evaluated: 2025-11-11. Review status: criteria provided, single submitter. Criteria: Invitae Variant Classification Sherloc (09022015). Collection method: clinical testing. Allele origin: germline.
Comment: This sequence change replaces aspartic acid, which is acidic and polar, with glycine, which is neutral and non-polar, at codon 750 of the CDH1 protein (p.Asp750Gly). This variant is present in population databases (rs759608783, gnomAD 0.03%). This missense change has been observed in individual(s) with colorectal, breast and/or ovarian cancer (PMID: 28135145, 29470806). ClinVar contains an entry for this variant (Variation ID: 231716). An algorithm developed to predict the effect of missense changes on protein structure and function (PolyPhen-2) suggests that this variant is likely to be disruptive. In summary, the available evidence is currently insufficient to determine the role of this variant in disease. Therefore, it has been classified as a Variant of Uncertain Significance.

Quest Diagnostics Nichols Institute San Juan Capistrano
Classification: Likely benign. Last evaluated: 2025-06-25. Review status: criteria provided, single submitter. Criteria: Quest Diagnostics criteria. Collection method: clinical testing. Allele origin: unknown.

Ambry Genetics
Classification: Uncertain significance for Hereditary cancer-predisposing syndrome. Last evaluated: 2024-10-16. Review status: criteria provided, single submitter. Criteria: Ambry Variant Classification Scheme 2023. Collection method: clinical testing. Allele origin: germline.
Comment: The p.D750G variant (also known as c.2249A>G), located in coding exon 14 of the CDH1 gene, results from an A to G substitution at nucleotide position 2249. The aspartic acid at codon 750 is replaced by glycine, an amino acid with similar properties. This variant has been reported in an individual affected with colorectal cancer (Yurgelun MB et al. J Clin Oncol, 2017 Apr;35:1086-1095). This variant was also observed in a study of 1010 unrelated Indian patients with breast and/or ovarian cancer (Singh J et al. Breast Cancer Res Treat, 2018 Jul;170:189-196). This amino acid position is highly conserved in available vertebrate species. In addition, this alteration is predicted to be deleterious by in silico analysis. Since supporting evidence is limited at this time, the clinical significance of this alteration remains unclear.

Color Diagnostics, LLC DBA Color Health
Classification: Uncertain significance for Hereditary cancer-predisposing syndrome. Last evaluated: 2023-06-27. Review status: criteria provided, single submitter. Criteria: ACMG Guidelines, 2015. Collection method: clinical testing. Allele origin: germline.
Comment: This missense variant replaces aspartic acid with glycine at codon 750 of the CDH1 protein. To our knowledge, functional studies have not been reported for this variant. This variant has been reported in individuals affected with colorectal cancer (PMID: 28135145) and breast and/or ovarian cancer (PMID: 29470806). This variant has been identified in 10/251486 chromosomes in the general population by the Genome Aggregation Database (gnomAD). The available evidence is insufficient to determine the role of this variant in disease conclusively. Therefore, this variant is classified as a Variant of Uncertain Significance.

Sema4
Classification: Uncertain significance for Hereditary cancer-predisposing syndrome. Last evaluated: 2021-07-20. Review status: criteria provided, single submitter. Criteria: Sema4 Curation Guidelines. Collection method: curation. Allele origin: germline.
Comment: The CDH1 c.2249A>G (p.D750G) variant has been reported in heterozygosity in at least three individuals with breast or colorectal cancer (PMID: 28135145, 29470806). This variant was observed in 10/30616 chromosomes in the South Asian population, with no homozygotes, according to the Genome Aggregation Database (PMID: 32461654) and has been reported in ClinVar (Variation ID: 231716). In silico tools suggest the impact of the variant on protein function is deleterious, though these predictions have not been confirmed by functional studies. Based on the current evidence available, this variant is interpreted as a variant of uncertain significance.

Neuberg Centre For Genomic Medicine, NCGM
Classification: Uncertain significance for Familial cancer of breast. Review status: criteria provided, single submitter. Criteria: ACMG Guidelines, 2015. Collection method: clinical testing. Allele origin: germline. Inheritance: Autosomal dominant inheritance. Affected: yes.
Comment: The missense variant c.2249A>G(p.Asp750Gly) has been submitted to ClinVar as a Variant of Uncertain Significance, but no details are available for independent assessment. The p.Asp750Gly variant is novel (not in any individuals) in 1000 Genomes and has allele frequency of 0.004% in gnomAD database. The amino acid change p.Asp750Gly in CDH1 is predicted as conserved by GERP++ and PhyloP across 100 vertebrates. The amino acid Asp at position 750 is changed to a Gly changing protein sequence and it might alter its composition and physico-chemical properties. For these reasons, this variant has been classified as Uncertain Significance (VUS).

Literature cited by the submitters: PubMed 28135145 (cited by 5 submitters); PubMed 29470806 (cited by 5 submitters).